The following is an entry in ClinVar:

NM_004958.4(MTOR):c.1288C>T (p.Arg430Cys)

Gene: MTOR (mechanistic target of rapamycin kinase; minus strand). Cytogenetic location: 1p36.22.
Variant type: single nucleotide variant.
Coding change: c.1288C>T on transcript NM_004958.4 (MANE Select); coding-DNA position 1288, C replaced by T.
Protein change: p.Arg430Cys; replaces arginine 430 with cysteine.
Molecular consequence: missense variant.
Genome position (GRCh38, 1-based): chr1:11,243,238, G>A on the plus strand (C>T on the coding strand, the complement: MTOR is on the minus strand). VCF-style: chr1-11243238-G-A. GRCh37 (hg19) VCF-style: chr1-11303295-G-A.
Other names: c.1288C>T, p.Arg430Cys (NM_001386500.1); c.40C>T, p.Arg14Cys (NM_001386501.1); short protein forms R430C, R14C.
Identifiers: ClinVar variation 3399621 (VCV003399621.2).

ClinVar aggregate classification (germline): Uncertain significance. Review status: criteria provided, multiple submitters, no conflicts (2 of 4 stars). 2 submissions from 2 submitters: Uncertain significance (2). Last evaluated 2026-02-14.

Conditions:
Inborn genetic diseases. Identifiers: MedGen C0950123, MeSH D030342.

Submissions (2):

GeneDx
Classification: Uncertain significance. Last evaluated: 2026-02-14. Review status: criteria provided, single submitter. Criteria: GeneDx Variant Classification Process June 2021. Collection method: clinical testing. Allele origin: germline.
Comment: Not observed at significant frequency in large population cohorts (gnomAD); In silico analysis supports that this missense variant has a deleterious effect on protein structure/function; Has not been previously published as pathogenic or benign to our knowledge

Ambry Genetics
Classification: Uncertain significance for Inborn genetic diseases. Last evaluated: 2024-08-09. Review status: criteria provided, single submitter. Criteria: Ambry Variant Classification Scheme 2023. Collection method: clinical testing. Allele origin: germline.
Comment: The c.1288C>T (p.R430C) alteration is located in exon 9 (coding exon 8) of the MTOR gene. This alteration results from a C to T substitution at nucleotide position 1288, causing the arginine (R) at amino acid position 430 to be replaced by a cysteine (C). This variant was not reported in population-based cohorts in the Genome Aggregation Database (gnomAD). This amino acid position is highly conserved in available vertebrate species. This alteration is predicted to be deleterious by in silico analysis. Based on insufficient or conflicting evidence, the clinical significance of this alteration remains unclear.